The following is an entry in ClinVar:

ClinVar aggregate classification (germline): Uncertain significance (1 of 4 stars; one submission).

Conditions:
LEP-related disorder. Also called: LEP-related condition.

Submission:

PreventionGenetics, part of Exact Sciences
Classification: Uncertain significance for LEP-related condition. Last evaluated: 2026-09-26. Review status: criteria provided, single submitter. Criteria: ACMG Guidelines, 2015. Collection method: clinical testing. Allele origin: germline.
Comment: The LEP c.466G>A variant is predicted to result in the amino acid substitution p.Asp156Asn. To our knowledge, this variant has not been reported in the literature in individuals with LEP-related disease. This variant is reported in 0.0058% of alleles in individuals of Latino descent in gnomAD. Functional studies utilizing HEK293 cells indicate the p.Asp156Asn variant in the LEP gene decreases leptin secretion despite normal intracellular protein expression (Telge et al. 2025. DOI: 10.1101/2025.07.11.663622). At this time, the clinical significance of this variant is uncertain due to the absence of conclusive functional and genetic evidence.

NM_000230.3(LEP):c.466G>A (p.Asp156Asn)

Gene: LEP (leptin; plus strand). Cytogenetic location: 7q32.1.
Variant type: single nucleotide variant.
Coding change: c.466G>A on transcript NM_000230.3 (MANE Select); coding-DNA position 466, G replaced by A.
Protein change: p.Asp156Asn; replaces aspartic acid 156 with asparagine.
Molecular consequence: missense variant.
Genome position (GRCh38, 1-based): chr7:128,254,725, G>A. VCF-style: chr7-128254725-G-A. GRCh37 (hg19) VCF-style: chr7-127894778-G-A.
Other names: short protein forms D156N.
Identifiers: ClinVar variation 4988313 (VCV004988313.1).